The following is an entry in ClinVar:

ClinVar aggregate classification (germline): Uncertain significance. Review status: criteria provided, multiple submitters, no conflicts (2 of 4 stars). 4 submissions from 4 submitters: Uncertain significance (4). Last evaluated 2024-07-20.

Conditions:
Familial hypercholesterolemia. Also called: Familial hypercholesterolemias; Familial hypercholesterolaemia. Identifiers: MedGen C0020445, MONDO:0005439.
Hypercholesterolemia, autosomal dominant, 3 (FHCL3). Also called: Familial hypercholesterolemia 3; Familial Hypercholesterolemia, Autosomal Dominant, 3; PCSK9-Related Familial Hypercholesterolemia, Autosomal Dominant. Identifiers: MedGen C1863551, MONDO:0011369, OMIM 603776.

Allele frequency attached by ClinVar (database versions not stated): ExAC 0.00001; gnomAD 0.00001; gnomAD exomes 0.00001; TOPMed 0.00001; ESP Exome Variant Server 0.00008.
gnomAD v4.1: 18 of 1,613,540 alleles (0.0011%); highest among the groups gnomAD compares: Admixed American, 0.0067%; no homozygotes.

Submissions (4):

All of Us Research Program, National Institutes of Health
Classification: Uncertain significance for Hypercholesterolemia, autosomal dominant, 3. Last evaluated: 2024-07-20. Review status: criteria provided, single submitter. Criteria: ACMG Guidelines, 2015. Collection method: clinical testing. Allele origin: germline. Inheritance: Autosomal dominant inheritance. Observed: 4 variant alleles, 4 heterozygotes.
Comment: This missense variant replaces glycine with valine at codon 394 of the PCSK9 protein. Computational prediction tools and conservation analyses suggest that this variant may have deleterious impact on the protein function. Computational splicing tools suggest that this variant may not impact RNA splicing. To our knowledge, functional assays have not been performed for this variant nor has this variant been reported in individuals affected with familial hypercholesterolemia in the literature. This variant has been identified in 4/281990 chromosomes in the general population by the Genome Aggregation Database (gnomAD). Available evidence is insufficient to determine the role of this variant in disease conclusively. Therefore, this variant is classified as a Variant of Uncertain Significance.

This study involves interpretation of variants in research participants for the purpose of population health screening. Participant phenotype was not available at the time of variant classification. Additional details can be found in publication PMID: 35346344, PMCID: PMC8962531

Color Diagnostics, LLC DBA Color Health
Classification: Uncertain significance for Familial hypercholesterolemia. Last evaluated: 2024-07-03. Review status: criteria provided, single submitter. Criteria: ACMG Guidelines, 2015. Collection method: clinical testing. Allele origin: germline.
Comment: This missense variant replaces glycine with valine at codon 394 of the PCSK9 protein. Computational prediction tools indicate that this variant has a deleterious impact on protein structure and function. To our knowledge, functional studies have not been reported for this variant. This variant has not been reported in individuals affected with PCSK9-related disorders in the literature. This variant has been identified in 4/281990 chromosomes in the general population by the Genome Aggregation Database (gnomAD). The available evidence is insufficient to determine the role of this variant in disease conclusively. Therefore, this variant is classified as a Variant of Uncertain Significance.

Fulgent Genetics
Classification: Uncertain significance for Hypercholesterolemia, autosomal dominant, 3. Last evaluated: 2021-09-01. Review status: criteria provided, single submitter. Criteria: ACMG Guidelines, 2015. Collection method: clinical testing. Allele origin: unknown.

Women's Health and Genetics/Laboratory Corporation of America, LabCorp
Classification: Uncertain significance. Last evaluated: 2020-06-29. Review status: criteria provided, single submitter. Criteria: LabCorp Variant Classification Summary - May 2015. Collection method: clinical testing. Allele origin: germline.
Comment: Variant summary: PCSK9 c.1181G>T (p.Gly394Val) results in a non-conservative amino acid change located in the Peptidase S8/S53 domain (IPR000209) of the encoded protein sequence. Five of five in-silico tools predict a damaging effect of the variant on protein function. 3/4 computational tools predict no significant impact on normal splicing. However, these predictions have yet to be confirmed by functional studies. The variant allele was found at a frequency of 1.2e-05 in 250586 control chromosomes (gnomAD). The available data on variant occurrences in the general population are insufficient to allow any conclusion about variant significance. To our knowledge, no occurrence of c.1181G>T in individuals affected with Early Onset Coronary Artery Disease and no experimental evidence demonstrating its impact on protein function have been reported. One ClinVar submitter (evaluation after 2014) cites the variant as uncertain significance. Based on the evidence outlined above, the variant was classified as uncertain significance.

NM_174936.4(PCSK9):c.1181G>T (p.Gly394Val)

Gene: PCSK9 (proprotein convertase subtilisin/kexin type 9; plus strand). Cytogenetic location: 1p32.3.
Variant type: single nucleotide variant.
Coding change: c.1181G>T on transcript NM_174936.4 (MANE Select); coding-DNA position 1181, G replaced by T.
Protein change: p.Gly394Val; replaces glycine 394 with valine.
Molecular consequence: missense variant.
Genome position (GRCh38, 1-based): chr1:55,058,036, G>T. VCF-style: chr1-55058036-G-T. GRCh37 (hg19) VCF-style: chr1-55523709-G-T.
Other names: c.1304G>T, p.Gly435Val (NM_001407240.1); c.1181G>T, p.Gly394Val (NM_001407241.1); c.1184G>T, p.Gly395Val (NM_001407242.1); c.1124G>T, p.Gly375Val (NM_001407243.1); c.989G>T, p.Gly330Val (NM_001407245.1); c.806G>T, p.Gly269Val (NM_001407246.1); short protein forms G394V, G435V, G269V, G330V, G375V, G395V.
Identifiers: ClinVar variation 921728 (VCV000921728.10), dbSNP rs376066497, ClinGen allele CA035776.